The following is an entry in ClinVar:

ClinVar aggregate classification (germline): Uncertain significance (1 of 4 stars; one submission).

Conditions:
Wilson disease (WND). Also called: Wilson's disease. Identifiers: Orphanet 905, MedGen C0019202, MONDO:0010200, OMIM 277900. Disease mechanism: loss of function.

Submission:

All of Us Research Program, National Institutes of Health
Classification: Uncertain significance for Wilson disease. Last evaluated: 2023-10-23. Review status: criteria provided, single submitter. Criteria: ACMG Guidelines, 2015. Collection method: clinical testing. Allele origin: germline. Inheritance: Autosomal recessive inheritance. Observed: 1 variant allele, 1 heterozygote.
Comment: This missense variant replaces phenylalanine with serine at codon 491 of the ATP7B protein. Computational prediction is inconclusive regarding the impact of this variant on protein structure and function (internally defined REVEL score threshold 0.5 < inconclusive < 0.7, PMID: 27666373). To our knowledge, functional studies have not been reported for this variant. This variant has not been reported in individuals affected with ATP7B-related disorders in the literature. This variant has not been identified in the general population by the Genome Aggregation Database (gnomAD). The available evidence is insufficient to determine the role of this variant in disease conclusively. Therefore, this variant is classified as a Variant of Uncertain Significance.

This study involves interpretation of variants in research participants for the purpose of population health screening. Participant phenotype was not available at the time of variant classification. Additional details can be found in publication PMID: 35346344, PMCID: PMC8962531

NM_000053.4(ATP7B):c.1472T>C (p.Phe491Ser)

Gene: ATP7B (ATPase copper transporting beta; minus strand). Cytogenetic location: 13q14.3.
Variant type: single nucleotide variant.
Coding change: c.1472T>C on transcript NM_000053.4 (MANE Select); coding-DNA position 1472, T replaced by C.
Protein change: p.Phe491Ser; replaces phenylalanine 491 with serine.
Molecular consequence: missense variant. On other transcripts: intron variant (1).
Genome position (GRCh38, 1-based): chr13:51,970,563, A>G on the plus strand (T>C on the coding strand, the complement: ATP7B is on the minus strand). VCF-style: chr13-51970563-A-G. GRCh37 (hg19) VCF-style: chr13-52544699-A-G.
Other names: c.1472T>C, p.Phe491Ser (NM_001406512.1, NM_001406513.1, NM_001406514.1 and 28 more transcripts); c.1376T>C, p.Phe459Ser (NM_001406517.1, NM_001406518.1, NM_001406536.1 and 3 more transcripts); c.1043T>C, p.Phe348Ser (NM_001406539.1); c.1285+3372T>C (NM_001406548.1); c.1139T>C, p.Phe380Ser (NM_001243182.2); short protein forms F348S, F380S, F459S, F491S.
Identifiers: ClinVar variation 3074088 (VCV003074088.1), dbSNP rs1951788755, ClinGen allele CA388035506.